The following is an entry in ClinVar:

ClinVar aggregate classification (germline): Uncertain significance (1 of 4 stars; one submission).

Allele frequency attached by ClinVar (database versions not stated): ExAC 0.00002; gnomAD 0.00003 and 0.00004; gnomAD exomes 0.00003 and 0.00004; ESP Exome Variant Server 0.00008.

Submission:

Labcorp Genetics (formerly Invitae), Labcorp
Classification: Uncertain significance. Last evaluated: 2025-06-16. Review status: criteria provided, single submitter. Criteria: Invitae Variant Classification Sherloc (09022015). Collection method: clinical testing. Allele origin: germline.
Comment: This sequence change replaces arginine, which is basic and polar, with histidine, which is basic and polar, at codon 1953 of the FBN3 protein (p.Arg1953His). This variant is present in population databases (rs137977437, gnomAD 0.01%). This variant has not been reported in the literature in individuals affected with FBN3-related conditions. ClinVar contains an entry for this variant (Variation ID: 1420579). Invitae Evidence Modeling of protein sequence and biophysical properties (such as structural, functional, and spatial information, amino acid conservation, physicochemical variation, residue mobility, and thermodynamic stability) indicates that this missense variant is expected to disrupt FBN3 protein function with a positive predictive value of 80%. In summary, the available evidence is currently insufficient to determine the role of this variant in disease. Therefore, it has been classified as a Variant of Uncertain Significance.

NM_032447.5(FBN3):c.5858G>A (p.Arg1953His)

Gene: FBN3 (fibrillin 3; minus strand). Cytogenetic location: 19p13.2.
Variant type: single nucleotide variant.
Coding change: c.5858G>A on transcript NM_032447.5 (MANE Select); coding-DNA position 5858, G replaced by A.
Protein change: p.Arg1953His; replaces arginine 1953 with histidine.
Molecular consequence: missense variant.
Genome position (GRCh38, 1-based): chr19:8,094,493, C>T on the plus strand (G>A on the coding strand, the complement: FBN3 is on the minus strand). VCF-style: chr19-8094493-C-T. GRCh37 (hg19) VCF-style: chr19-8159377-C-T.
Other names: c.5858G>A, p.Arg1953His (NM_001321431.2); short protein forms R1953H.
Identifiers: ClinVar variation 1420579 (VCV001420579.6), dbSNP rs137977437, ClinGen allele CA9151513.
Genomic context (GRCh38, chr19:8,094,493, plus strand): 5'-GCTGGACACTCACCAATGCAGTGGTCACTCTGCACCTGGAAGCCAGGGGGACAGATGCAG[C>T]GGAAGGAGCCCTCGAGGTTCTGGCAAGTGCCGGGTAGGCAGGTTCCTGCAAGGCTGAGGC-3'
Protein context (NP_115823.3, residues 1943-1963): GTCQNLEGSF[Arg1953His]CICPPGFQVQ